The following is an entry in ClinVar:

NM_018706.7(DHTKD1):c.522+3A>G

Gene: DHTKD1 (dehydrogenase E1 and transketolase domain containing 1; plus strand). Cytogenetic location: 10p14.
Variant type: single nucleotide variant.
Coding change: c.522+3A>G on transcript NM_018706.7 (MANE Select); 3 bases into the intron after coding-DNA position 522, A replaced by G.
Molecular consequence: intron variant.
Genome position (GRCh38, 1-based): chr10:12,084,754, A>G. VCF-style: chr10-12084754-A-G. GRCh37 (hg19) VCF-style: chr10-12126753-A-G.
Identifiers: ClinVar variation 1379708 (VCV001379708.8), dbSNP rs1204654576, ClinGen allele CA591844625.
Genomic context (GRCh38, chr10:12,084,754, plus strand): 5'-GGAGACGTTTACCACAGAAGAGCGAAAACATCTGTCGAAACTAATGCTGGAATCTCAGGT[A>G]AAAAGGAGCATCTAGGCCGGGCACGGTGGCTCATGCCTGTAATCCCAGCACTTTGGGAGG-3'

ClinVar aggregate classification (germline): Uncertain significance (1 of 4 stars; one submission).

Conditions:
2-aminoadipic 2-oxoadipic aciduria (AAKAD). Also called: ALPHA-AMINOADIPIC AND ALPHA-KETOADIPIC ACIDURIA; Aminoadipic aciduria. Identifiers: Orphanet 79154, MedGen C1859817, MONDO:0008774, OMIM 204750.

Allele frequency attached by ClinVar (database versions not stated): gnomAD exomes 0.00001 and 0.00002.
gnomAD v4.1: 9 of 1,613,534 alleles (0.00056%); highest among the groups gnomAD compares: East Asian, 0.0045%; no homozygotes.

Submission:

Labcorp Genetics (formerly Invitae), Labcorp
Classification: Uncertain significance for 2-aminoadipic 2-oxoadipic aciduria. Last evaluated: 2025-07-30. Review status: criteria provided, single submitter. Criteria: Invitae Variant Classification Sherloc (09022015). Collection method: clinical testing. Allele origin: germline.
Comment: This sequence change falls in intron 3 of the DHTKD1 gene. It does not directly change the encoded amino acid sequence of the DHTKD1 protein. It affects a nucleotide within the consensus splice site. This variant is present in population databases (no rsID available, gnomAD 0.01%). This variant has not been reported in the literature in individuals affected with DHTKD1-related conditions. ClinVar contains an entry for this variant (Variation ID: 1379708). Variants that disrupt the consensus splice site are a relatively common cause of aberrant splicing (PMID: 17576681, 9536098). Algorithms developed to predict the effect of sequence changes on RNA splicing suggest that this variant is not likely to affect RNA splicing. In summary, the available evidence is currently insufficient to determine the role of this variant in disease. Therefore, it has been classified as a Variant of Uncertain Significance.

Literature cited by the submitters: PubMed 17576681; PubMed 9536098.